The following is an entry in ClinVar:

NM_014049.5(ACAD9):c.497_501del (p.Tyr165_Leu166insTer)

Gene: ACAD9 (acyl-CoA dehydrogenase family member 9; plus strand). Cytogenetic location: 3q21.3.
Variant type: Deletion.
Coding change: c.497_501del on transcript NM_014049.5 (MANE Select); coding-DNA positions 497 to 501, 5 bases deleted (TGCCT; older notation c.497_501delTGCCT).
Protein change: p.Tyr165_Leu166insTer.
Molecular consequence: nonsense. On other transcripts: non-coding transcript variant (1).
Genome position (GRCh38, 1-based): chr3:128,896,479-128,896,483, TGCCT deleted; deleting any 5 consecutive bases within chr3:128,896,477-128,896,483 gives the same sequence; the c. name uses the placement nearest the transcript's 3' end. VCF-style (leftmost placement, unchanged base first): chr3-128896476-ACTTGC-A. GRCh37 (hg19) VCF-style: chr3-128615319-ACTTGC-A.
Identifiers: ClinVar variation 1352447 (VCV001352447.7), dbSNP rs2107651275, ClinGen allele CA2573136481.

ClinVar aggregate classification (germline): Pathogenic/Likely pathogenic. Review status: criteria provided, multiple submitters, no conflicts (2 of 4 stars). 2 submissions from 2 submitters: Pathogenic (1); Likely pathogenic (1). Last evaluated 2023-09-16.

Conditions:
Acyl-CoA dehydrogenase 9 deficiency. Also called: MITOCHONDRIAL COMPLEX I DEFICIENCY, NUCLEAR TYPE 20; Acyl-CoA dehydrogenase family, member 9, deficiency of. Identifiers: Orphanet 99901, MedGen C4747517, MONDO:0012624, OMIM 611126.

Submissions (2):

Baylor Genetics
Classification: Likely pathogenic for Acyl-CoA dehydrogenase 9 deficiency. Last evaluated: 2023-09-16. Review status: criteria provided, single submitter. Criteria: ACMG Guidelines, 2015. Collection method: clinical testing. Allele origin: unknown.

Labcorp Genetics (formerly Invitae), Labcorp
Classification: Pathogenic. Last evaluated: 2021-07-13. Review status: criteria provided, single submitter. Criteria: Invitae Variant Classification Sherloc (09022015). Collection method: clinical testing. Allele origin: germline.
Comment: This sequence change creates a premature translational stop signal (p.Leu166*) in the ACAD9 gene. It is expected to result in an absent or disrupted protein product. Loss-of-function variants in ACAD9 are known to be pathogenic (PMID: 25721401). This variant is not present in population databases (ExAC no frequency). This variant has not been reported in the literature in individuals affected with ACAD9-related conditions. For these reasons, this variant has been classified as Pathogenic.

Literature cited by the submitters: PubMed 25721401 (cited by Labcorp Genetics (formerly Invitae), Labcorp).